The following is an entry in ClinVar:

NM_021008.4(DEAF1):c.80C>G (p.Ala27Gly)

Gene: DEAF1 (DEAF1 transcription factor; minus strand). Cytogenetic location: 11p15.5.
Variant type: single nucleotide variant.
Coding change: c.80C>G on transcript NM_021008.4 (MANE Select); coding-DNA position 80, C replaced by G.
Protein change: p.Ala27Gly; replaces alanine 27 with glycine.
Molecular consequence: missense variant. On other transcripts: intron variant (1).
Genome position (GRCh38, 1-based): chr11:694,968, G>C on the plus strand (C>G on the coding strand, the complement: DEAF1 is on the minus strand). VCF-style: chr11-694968-G-C. GRCh37 (hg19) VCF-style: chr11-694968-G-C.
Other names: c.80C>G, p.Ala27Gly (NM_001293634.2); c.-437-3370C>G (NM_001367390.1); short protein forms A27G.
Identifiers: ClinVar variation 2358984 (VCV002358984.3), dbSNP rs1400909690, ClinGen allele CA378940274.

ClinVar aggregate classification (germline): Uncertain significance. Review status: criteria provided, multiple submitters, no conflicts (2 of 4 stars). 2 submissions from 2 submitters: Uncertain significance (2). Last evaluated 2026-06-15.

Conditions:
Inborn genetic diseases. Identifiers: MedGen C0950123, MeSH D030342.

Submissions (2):

Women's Health and Genetics/Laboratory Corporation of America, LabCorp
Classification: Uncertain significance. Last evaluated: 2026-06-15. Review status: criteria provided, single submitter. Criteria: LabCorp Variant Classification Summary - May 2015. Collection method: clinical testing. Allele origin: germline.
Comment: Variant summary: DEAF1 c.80C>G (p.Ala27Gly) results in a non-conservative amino acid change in the encoded protein sequence. Algorithms developed to predict the effect of missense changes on protein structure and function are either unavailable or do not agree on the potential impact of this missense change. The variant was absent in 28542 control chromosomes. The available data on variant occurrences in the general population are insufficient to allow any conclusion about variant significance. To our knowledge, no occurrence of c.80C>G in individuals affected with DEAF1-related conditions and no experimental evidence demonstrating its impact on protein function have been reported. ClinVar contains an entry for this variant (Variation ID: 2358984). Based on the evidence outlined above, the variant was classified as uncertain significance.

Ambry Genetics
Classification: Uncertain significance for Inborn genetic diseases. Last evaluated: 2021-08-10. Review status: criteria provided, single submitter. Criteria: Ambry Variant Classification Scheme 2023. Collection method: clinical testing. Allele origin: germline.